The following is an entry in ClinVar:

NM_201384.3(PLEC):c.6416G>A (p.Arg2139His)

Gene: PLEC (plectin; minus strand). Cytogenetic location: 8q24.3.
Variant type: single nucleotide variant.
Coding change: c.6416G>A on transcript NM_201384.3 (MANE Select); coding-DNA position 6416, G replaced by A.
Protein change: p.Arg2139His; replaces arginine 2139 with histidine.
Molecular consequence: missense variant.
Genome position (GRCh38, 1-based): chr8:143,923,513, C>T on the plus strand (G>A on the coding strand, the complement: PLEC is on the minus strand). VCF-style: chr8-143923513-C-T. GRCh37 (hg19) VCF-style: chr8-144997681-C-T.
Other names: c.6497G>A, p.Arg2166His (NM_000445.5); c.6374G>A, p.Arg2125His (NM_201378.4); c.6350G>A, p.Arg2117His (NM_201379.3); c.6827G>A, p.Arg2276His (NM_201380.4); c.6320G>A, p.Arg2107His (NM_201381.3); c.6416G>A, p.Arg2139His (NM_201382.4); c.6428G>A, p.Arg2143His (NM_201383.3); short protein forms R2143H, R2125H, R2276H, R2139H, R2107H, R2117H, R2166H.
Identifiers: ClinVar variation 471631 (VCV000471631.67), dbSNP rs372652727, ClinGen allele CA4926003.

ClinVar aggregate classification (germline): Conflicting classifications of pathogenicity. Review status: criteria provided, conflicting classifications (1 of 4 stars). 8 submissions from 8 submitters: Uncertain significance (5); Likely benign (1). 2 of the submissions do not count toward it. Last evaluated 2025-11-24.

Conditions:
Epidermolysis bullosa simplex, Ogna type (EBS5A). Also called: Pidermolysis bullosa simplex 5A, Ogna type; EPIDERMOLYSIS BULLOSA SIMPLEX 5A, OGNA TYPE. Identifiers: Orphanet 79401, MedGen C0432317, MONDO:0007555, OMIM 131950.
Autosomal recessive limb-girdle muscular dystrophy type 2Q (LGMDR17). Also called: MUSCULAR DYSTROPHY, LIMB-GIRDLE, AUTOSOMAL RECESSIVE 17. Identifiers: Orphanet 254361, MedGen C3150989, MONDO:0013390, OMIM 613723.
Epidermolysis bullosa simplex 5B, with muscular dystrophy (EBS5B). Also called: Epidermolysis bullosa simplex with muscular dystrophy; EPIDERMOLYSIS BULLOSA SIMPLEX AND LIMB-GIRDLE MUSCULAR DYSTROPHY. Identifiers: Orphanet 257, MedGen C2931072, MONDO:0009181, OMIM 226670.
Epidermolysis bullosa simplex with nail dystrophy (EBS5D). Identifiers: MedGen C4225309, MONDO:0014661, OMIM 616487.
Epidermolysis bullosa simplex 5C, with pyloric atresia (EBS5C). Also called: PLEC-Related Epidermolysis Bullosa with Pyloric Atresia; Epidermolysis bullosa simplex with pyloric atresia; PLEC1-Related Epidermolysis Bullosa with Pyloric Atresia. Identifiers: Orphanet 158684, MedGen C2677349, MONDO:0012807, OMIM 612138.
Inborn genetic diseases. Identifiers: MedGen C0950123, MeSH D030342.
PLEC-related disorder. Also called: PLEC-related condition; PLEC-related disorders.

Allele frequency attached by ClinVar (database versions not stated): TOPMed 0.00019; ESP Exome Variant Server 0.00008; gnomAD exomes 0.00013; ExAC 0.00014; gnomAD 0.00018.
gnomAD v4.1: 318 of 1,596,442 alleles (0.02%); highest among the groups gnomAD compares: Non-Finnish European, 0.025%; no homozygotes.

Submissions (8):

Ambry Genetics
Classification: Uncertain significance for Inborn genetic diseases. Last evaluated: 2025-11-24. Review status: criteria provided, single submitter. Criteria: Ambry Variant Classification Scheme 2023. Collection method: clinical testing. Allele origin: germline.

Labcorp Genetics (formerly Invitae), Labcorp
Classification: Uncertain significance for Autosomal recessive limb-girdle muscular dystrophy type 2Q; Epidermolysis bullosa simplex, Ogna type; Epidermolysis bullosa simplex with nail dystrophy; Epidermolysis bullosa simplex 5C, with pyloric atresia; Epidermolysis bullosa simplex 5B, with muscular dystrophy. Last evaluated: 2025-11-19. Review status: criteria provided, single submitter. Criteria: Invitae Variant Classification Sherloc (09022015). Collection method: clinical testing. Allele origin: germline.
Comment: This sequence change replaces arginine, which is basic and polar, with histidine, which is basic and polar, at codon 2166 of the PLEC protein (p.Arg2166His). This variant is present in population databases (rs372652727, gnomAD 0.02%). This variant has not been reported in the literature in individuals affected with PLEC-related conditions. ClinVar contains an entry for this variant (Variation ID: 471631). An algorithm developed to predict the effect of missense changes on protein structure and function (PolyPhen-2) suggests that this variant is likely to be tolerated. In summary, the available evidence is currently insufficient to determine the role of this variant in disease. Therefore, it has been classified as a Variant of Uncertain Significance.

Revvity Omics, Revvity
Classification: Uncertain significance. Last evaluated: 2024-02-13. Review status: criteria provided, single submitter. Criteria: ACMG Guidelines, 2015. Collection method: clinical testing. Allele origin: germline.

GeneDx
Classification: Likely benign. Last evaluated: 2020-07-22. Review status: criteria provided, single submitter. Criteria: GeneDx Variant Classification Process June 2021. Collection method: clinical testing. Allele origin: germline. Affected: yes.

CeGaT Center for Human Genetics Tuebingen
Classification: Uncertain significance. Last evaluated: 2018-12-01. Review status: criteria provided, single submitter. Criteria: CeGaT Center For Human Genetics Tuebingen Variant Classification Criteria Version 2. Collection method: clinical testing. Allele origin: germline. Affected: yes. Observed: 1 variant allele.

Eurofins Ntd Llc (ga)
Classification: Uncertain significance. Last evaluated: 2017-05-23. Review status: criteria provided, single submitter. Criteria: EGL Classification Definitions 2015. Collection method: clinical testing. Allele origin: germline. Observed: 4 variant alleles, 4 heterozygotes.

PreventionGenetics, part of Exact Sciences
Classification: Uncertain significance for PLEC-related condition. Last evaluated: 2024-08-12. Review status: no assertion criteria provided. Collection method: clinical testing. Allele origin: germline. Not counted in ClinVar's aggregate classification.
Comment: The PLEC c.6497G>A variant is predicted to result in the amino acid substitution p.Arg2166His. To our knowledge, this variant has not been reported in the literature. This variant is reported in 0.025% of alleles in individuals of European (Non-Finnish) descent in gnomAD. At this time, the clinical significance of this variant is uncertain due to the absence of conclusive functional and genetic evidence.

Department of Pathology and Laboratory Medicine, Sinai Health System
Classification: Uncertain significance. Review status: no assertion criteria provided. Collection method: clinical testing. Allele origin: unknown. Affected: yes. Study: The Canadian Open Genetics Repository (COGR). Not counted in ClinVar's aggregate classification.
Comment: The PLEC p.Arg2143His variant was not identified in the literature but was identified in dbSNP (ID: rs372652727), ClinVar (classified as a VUS by EGL Genetics and Invitae) and LOVD 3.0 (classified as a VUS). The variant was also identified in control databases in 33 of 256488 chromosomes at a frequency of 0.000129 (Genome Aggregation Database Feb 27, 2017). The variant was observed in the following populations: European (non-Finnish) in 29 of 116096 chromosomes (freq: 0.00025), Ashkenazi Jewish in 1 of 9794 chromosomes (freq: 0.000102) and Latino in 3 of 34788 chromosomes (freq: 0.000086), but was not observed in the African, East Asian, European (Finnish), Other or South Asian populations. The p.Arg2143 residue is conserved in mammals and computational analyses (PolyPhen-2, SIFT, AlignGVGD, BLOSUM, MutationTaster) provide inconsistent predictions regarding the impact to the protein; this information is not very predictive of pathogenicity. The variant occurs outside of the splicing consensus sequence and in silico or computational prediction software programs (SpliceSiteFinder, MaxEntScan, NNSPLICE, GeneSplicer) do not predict a difference in splicing. In summary, based on the above information the clinical significance of this variant cannot be determined with certainty at this time. This variant is classified as a variant of uncertain significance.